The following is an entry in ClinVar:

NM_144670.6(A2ML1):c.2840C>A (p.Thr947Lys)

Gene: A2ML1 (alpha-2-macroglobulin like 1; plus strand). Cytogenetic location: 12p13.31.
Variant type: single nucleotide variant.
Coding change: c.2840C>A on transcript NM_144670.6 (MANE Select); coding-DNA position 2840, C replaced by A.
Protein change: p.Thr947Lys; replaces threonine 947 with lysine.
Molecular consequence: missense variant.
Genome position (GRCh38, 1-based): chr12:8,855,584, C>A. VCF-style: chr12-8855584-C-A. GRCh37 (hg19) VCF-style: chr12-9008180-C-A.
Other names: c.1367C>A, p.Thr456Lys (NM_001282424.3); short protein forms T947K, T456K.
Identifiers: ClinVar variation 1796714 (VCV001796714.3), dbSNP rs199873022, ClinGen allele CA6436160.

ClinVar aggregate classification (germline): Uncertain significance (1 of 4 stars; one submission).

gnomAD v4.1: 3 of 1,613,920 alleles (0.00019%); highest among the groups gnomAD compares: African/African-American, 0.0013%; no homozygotes.

Submission:

Ambry Genetics
Classification: Uncertain significance. Last evaluated: 2025-01-31. Review status: criteria provided, single submitter. Criteria: Ambry Variant Classification Scheme 2023. Collection method: clinical testing. Allele origin: germline.
Comment: The p.T947K variant (also known as c.2840C>A), located in coding exon 23 of the A2ML1 gene, results from a C to A substitution at nucleotide position 2840. The threonine at codon 947 is replaced by lysine, an amino acid with similar properties. This amino acid position is conserved. In addition, this alteration is predicted to be tolerated by in silico analysis. Since supporting evidence is limited at this time, the clinical significance of this alteration remains unclear.